The following is an entry in ClinVar:

ClinVar aggregate classification (germline): Pathogenic/Likely pathogenic. Review status: criteria provided, multiple submitters, no conflicts (2 of 4 stars). 2 submissions from 2 submitters: Pathogenic (1); Likely pathogenic (1). Last evaluated 2023-08-28.

Conditions:
Endometrial carcinoma. Also called: Endometrial carcinoma, somatic. Identifiers: MedGen C0476089, MONDO:0002447, OMIM 608089, HP:0012114.
Lynch syndrome 5 (LYNCH5). Also called: Colorectal cancer, hereditary nonpolyposis, type 5; Hereditary non-polyposis colorectal cancer, type 5. Identifiers: Orphanet 144, MedGen C1833477, MONDO:0013710, OMIM 614350. Disease mechanism: loss of function.

Submissions (2):

Myriad Genetics, Inc.
Classification: Pathogenic for Lynch syndrome 5. Last evaluated: 2023-08-28. Review status: criteria provided, single submitter. Criteria: Myriad Autosomal Dominant, Autosomal Recessive and X-Linked Classification Criteria (2023). Collection method: clinical testing. Allele origin: unknown.
Comment: This variant is considered pathogenic. This variant creates a frameshift predicted to result in premature protein truncation.

Baylor Genetics
Classification: Likely pathogenic for Endometrial carcinoma. Last evaluated: 2022-08-21. Review status: criteria provided, single submitter. Criteria: ACMG Guidelines, 2015. Collection method: clinical testing. Allele origin: unknown.

NM_000179.3(MSH6):c.3954_3957dup (p.Ala1320fs)

Gene: MSH6 (mutS homolog 6; plus strand). Cytogenetic location: 2p16.3.
Variant type: Duplication.
Coding change: c.3954_3957dup on transcript NM_000179.3 (MANE Select); coding-DNA positions 3954 to 3957, 4 bases duplicated (AAAA; older notation c.3954_3957dupAAAA).
Protein change: p.Ala1320fs; shifts the reading frame from alanine 1320.
Molecular consequence: frameshift variant. On other transcripts: non-coding transcript variant (5), intron variant (1).
Genome position (GRCh38, 1-based): chr2:47,806,604-47,806,607, AAAA duplicated. VCF-style (leftmost placement, unchanged base first): chr2-47806603-G-GAAAA. GRCh37 (hg19) VCF-style: chr2-48033742-G-GAAAA.
Other names: c.3564_3567dup, p.Ala1190fs (NM_001281492.2); c.3048_3051dup, p.Ala1018fs (NM_001281493.2, NM_001281494.2, NM_001406811.1 and 6 more transcripts); c.4050_4053dup, p.Ala1352fs (NM_001406795.1); c.3954_3957dup, p.Ala1320fs (NM_001406796.1, NM_001406808.1, NM_001406809.1); c.3657_3660dup, p.Ala1221fs (NM_001406797.1, NM_001406801.1, NM_001406805.1 and 10 more transcripts); c.3780_3783dup, p.Ala1262fs (NM_001406798.1); c.3429_3432dup, p.Ala1145fs (NM_001406799.1, NM_001406806.1, NM_001406807.1); c.3941_3944dup, p.Gln1316fs (NM_001406800.1); and 9 more; short protein forms A1018fs, A1032fs, A1145fs, A1190fs, A1221fs, A1262fs, A1264fs, A1294fs.
Identifiers: ClinVar variation 2673730 (VCV002673730.2), dbSNP rs587779297, ClinGen allele CA2695200526.